The following is an entry in ClinVar:

NM_001298.3(CNGA3):c.1609del (p.Gln537fs)

Gene: CNGA3 (cyclic nucleotide gated channel subunit alpha 3; plus strand). Cytogenetic location: 2q11.2.
Variant type: Deletion.
Coding change: c.1609del on transcript NM_001298.3 (MANE Select); coding-DNA position 1609, one base deleted (C; older notation c.1609delC).
Protein change: p.Gln537fs; shifts the reading frame from glutamine 537.
Molecular consequence: frameshift variant.
Genome position (GRCh38, 1-based): chr2:98,396,779, C deleted; the last of 3 consecutive C bases (chr2:98,396,777-98,396,779); deleting any one gives the same sequence. VCF-style (leftmost placement, unchanged base first): chr2-98396776-AC-A. GRCh37 (hg19) VCF-style: chr2-99013239-AC-A.
Other names: c.1555del, p.Gln519fs (NM_001079878.2); short protein forms Q519fs, Q537fs.
Identifiers: ClinVar variation 1459175 (VCV001459175.8), dbSNP rs1293852552, ClinGen allele CA535103982.
Genomic context (GRCh38, chr2:98,396,776, plus strand): 5'-GGGAAGGAGATGTACATCATCAACGAGGGCAAGCTGGCCGTGGTGGCTGATGATGGGGTC[AC>A]CCAGTTCGTGGTCCTCAGCGATGGCAGCTACTTCGGGGAGATCAGCATTCTGAACATCAA-3'

ClinVar aggregate classification (germline): Conflicting classifications of pathogenicity. Review status: criteria provided, conflicting classifications (1 of 4 stars). 3 submissions from 3 submitters: Pathogenic (1); Likely pathogenic (1); Uncertain significance (1). Last evaluated 2025-05-16.

Conditions:
Achromatopsia 2 (ACHM2). Also called: COLORBLINDNESS, TOTAL; ROD MONOCHROMACY 2; ROD MONOCHROMATISM 2. Identifiers: Orphanet 49382, MedGen C1857618, MONDO:0009003, OMIM 216900.

Submissions (3):

Labcorp Genetics (formerly Invitae), Labcorp
Classification: Pathogenic. Last evaluated: 2025-05-16. Review status: criteria provided, single submitter. Criteria: Invitae Variant Classification Sherloc (09022015). Collection method: clinical testing. Allele origin: germline.
Comment: This sequence change creates a premature translational stop signal (p.Gln537Serfs*17) in the CNGA3 gene. While this is not anticipated to result in nonsense mediated decay, it is expected to disrupt the last 158 amino acid(s) of the CNGA3 protein. This variant is present in population databases (no rsID available, gnomAD 0.009%). This variant has not been reported in the literature in individuals affected with CNGA3-related conditions. ClinVar contains an entry for this variant (Variation ID: 1459175). This variant disrupts a region of the CNGA3 protein in which other variant(s) (p.Arg661Ser) have been determined to be pathogenic (PMID: 24676353, 30711023; internal data). This suggests that this is a clinically significant region of the protein, and that variants that disrupt it are likely to be disease-causing. For these reasons, this variant has been classified as Pathogenic.

Fulgent Genetics
Classification: Likely pathogenic for Achromatopsia 2. Last evaluated: 2024-03-20. Review status: criteria provided, single submitter. Criteria: ACMG Guidelines, 2015. Collection method: clinical testing. Allele origin: germline.

GeneDx
Classification: Uncertain significance. Last evaluated: 2022-01-10. Review status: criteria provided, single submitter. Criteria: GeneDx Variant Classification Process June 2021. Collection method: clinical testing. Allele origin: germline. Affected: yes.
Comment: Frameshift variant predicted to result in protein truncation, as the last 158 amino acids are replaced with16 different amino acids, and other loss-of-function variants have been reported downstream in HGMD; Has not been previously published as pathogenic or benign to our knowledge

Literature cited by the submitters: PubMed 24676353 (cited by Labcorp Genetics (formerly Invitae), Labcorp); PubMed 30711023 (cited by Labcorp Genetics (formerly Invitae), Labcorp).